The following is an entry in ClinVar:

NM_001458.5(FLNC):c.5036C>A (p.Thr1679Lys)

Gene: FLNC (filamin C; plus strand). Cytogenetic location: 7q32.1.
Variant type: single nucleotide variant.
Coding change: c.5036C>A on transcript NM_001458.5 (MANE Select); coding-DNA position 5036, C replaced by A.
Protein change: p.Thr1679Lys; replaces threonine 1679 with lysine.
Molecular consequence: missense variant.
Genome position (GRCh38, 1-based): chr7:128,849,415, C>A. VCF-style: chr7-128849415-C-A. GRCh37 (hg19) VCF-style: chr7-128489469-C-A.
Other names: c.5036C>A, p.Thr1679Lys (NM_001127487.2); short protein forms T1679K.
Identifiers: ClinVar variation 940347 (VCV000940347.10), dbSNP rs1364205864, ClinGen allele CA369204039.
Genomic context (GRCh38, chr7:128,849,415, plus strand): 5'-AGATTGGGCAGGAGACGGTGATCACGGTGGATGCCAAGGCAGCCGGTGAGGGGAAGGTGA[C>A]ATGCACGGTGTCCACGCCGGATGGGGCAGAGCTCGATGTGGATGTGGTTGAGAACCATGA-3'
Protein context (NP_001449.3, residues 1669-1689): DAKAAGEGKV[Thr1679Lys]CTVSTPDGAE

ClinVar aggregate classification (germline): Uncertain significance (1 of 4 stars; one submission).

Conditions:
Myofibrillar myopathy 5. Also called: FILAMINOPATHY, AUTOSOMAL DOMINANT; Filaminopathy (type). Identifiers: Orphanet 171445, MedGen C1836050, MONDO:0012289, OMIM 609524.
Distal myopathy with posterior leg and anterior hand involvement. Also called: WILLIAMS DISTAL MYOPATHY. Identifiers: Orphanet 63273, MedGen C3279722, MONDO:0013550, OMIM 614065.
Hypertrophic cardiomyopathy 26. Also called: Cardiomyopathy, familial hypertrophic, 26. Identifiers: Orphanet 75249, MedGen C4310749, MONDO:0014883, OMIM 617047.

Allele frequency attached by ClinVar (database versions not stated): gnomAD exomes below 0.00001 and 0.00001; TOPMed below 0.00001.
gnomAD v4.1: 4 of 1,614,202 alleles (0.00025%); highest among the groups gnomAD compares: Non-Finnish European, 0.00034%; no homozygotes.

Submission:

Labcorp Genetics (formerly Invitae), Labcorp
Classification: Uncertain significance for Distal myopathy with posterior leg and anterior hand involvement; Myofibrillar myopathy 5; Hypertrophic cardiomyopathy 26. Last evaluated: 2019-08-28. Review status: criteria provided, single submitter. Criteria: Invitae Variant Classification Sherloc (09022015). Collection method: clinical testing. Allele origin: germline.
Comment: In summary, the available evidence is currently insufficient to determine the role of this variant in disease. Therefore, it has been classified as a Variant of Uncertain Significance. Algorithms developed to predict the effect of missense changes on protein structure and function are either unavailable or do not agree on the potential impact of this missense change (SIFT: "Tolerated"; PolyPhen-2: "Probably Damaging"; Align-GVGD: "Class C0"). This variant has not been reported in the literature in individuals with FLNC-related conditions. This variant is not present in population databases (ExAC no frequency). This sequence change replaces threonine with lysine at codon 1679 of the FLNC protein (p.Thr1679Lys). The threonine residue is highly conserved and there is a moderate physicochemical difference between threonine and lysine.